The following is an entry in ClinVar:

ClinVar aggregate classification (germline): Uncertain significance (1 of 4 stars; one submission).

Submission:

Labcorp Genetics (formerly Invitae), Labcorp
Classification: Uncertain significance. Last evaluated: 2025-02-20. Review status: criteria provided, single submitter. Criteria: Invitae Variant Classification Sherloc (09022015). Collection method: clinical testing. Allele origin: germline.
Comment: This sequence change replaces histidine, which is basic and polar, with glutamine, which is neutral and polar, at codon 324 of the ADAMTSL4 protein (p.His324Gln). This variant is present in population databases (no rsID available, gnomAD 0.03%). This variant has not been reported in the literature in individuals affected with ADAMTSL4-related conditions. Invitae Evidence Modeling of protein sequence and biophysical properties (such as structural, functional, and spatial information, amino acid conservation, physicochemical variation, residue mobility, and thermodynamic stability) indicates that this missense variant is not expected to disrupt ADAMTSL4 protein function with a negative predictive value of 80%. In summary, the available evidence is currently insufficient to determine the role of this variant in disease. Therefore, it has been classified as a Variant of Uncertain Significance.

NM_019032.6(ADAMTSL4):c.972C>A (p.His324Gln)

Genes: ADAMTSL4 (ADAMTS like 4; plus strand), ADAMTSL4-AS2 (ADAMTSL4 antisense RNA 2; minus strand). Cytogenetic location: 1q21.2.
Variant type: single nucleotide variant.
Coding change: c.972C>A on transcript NM_019032.6 (MANE Select); coding-DNA position 972, C replaced by A.
Protein change: p.His324Gln; replaces histidine 324 with glutamine.
Molecular consequence: missense variant.
Genome position (GRCh38, 1-based): chr1:150,553,963, C>A. VCF-style: chr1-150553963-C-A. GRCh37 (hg19) VCF-style: chr1-150526439-C-A.
Other names: c.972C>A, p.His324Gln (NM_001288607.2, NM_001288608.2, NM_001378596.1 and 1 more transcripts); short protein forms H324Q.
Identifiers: ClinVar variation 4744788 (VCV004744788.1).
Genomic context (GRCh38, chr1:150,553,963, plus strand): 5'-GGTCCCTCGGGGCCGAGGCCAGCAGGGCCAAGGGCCTTGGGGAACGGGGGGGACTCCTCA[C>A]GGGCCCCGCCTGGAGCCTGACCCTCAGCACCCGGGCGCCTGGCTGCCCCTGCTGAGCAAC-3'
Protein context (NP_061905.2, residues 314-334): QGPWGTGGTP[His324Gln]GPRLEPDPQH